The following is an entry in ClinVar:

NM_001287.6(CLCN7):c.2279T>G (p.Leu760Arg)

Gene: CLCN7 (Cl-/H+ antiporter 7; minus strand). Cytogenetic location: 16p13.3.
Variant type: single nucleotide variant.
Coding change: c.2279T>G on transcript NM_001287.6 (MANE Select); coding-DNA position 2279, T replaced by G.
Protein change: p.Leu760Arg; replaces leucine 760 with arginine.
Molecular consequence: missense variant.
Genome position (GRCh38, 1-based): chr16:1,447,058, A>C on the plus strand (T>G on the coding strand, the complement: CLCN7 is on the minus strand). VCF-style: chr16-1447058-A-C. GRCh37 (hg19) VCF-style: chr16-1497059-A-C.
Other names: c.2207T>G, p.Leu736Arg (NM_001114331.3); short protein forms L760R, L736R.
Identifiers: ClinVar variation 3726529 (VCV003726529.2).

ClinVar aggregate classification (germline): Uncertain significance (1 of 4 stars; one submission).

Submission:

Labcorp Genetics (formerly Invitae), Labcorp
Classification: Uncertain significance. Last evaluated: 2025-02-27. Review status: criteria provided, single submitter. Criteria: Invitae Variant Classification Sherloc (09022015). Collection method: clinical testing. Allele origin: germline.
Comment: This sequence change replaces leucine, which is neutral and non-polar, with arginine, which is basic and polar, at codon 760 of the CLCN7 protein (p.Leu760Arg). This variant is not present in population databases (gnomAD no frequency). This variant has not been reported in the literature in individuals affected with CLCN7-related conditions. An algorithm developed to predict the effect of missense changes on protein structure and function (PolyPhen-2) suggests that this variant is likely to be disruptive. In summary, the available evidence is currently insufficient to determine the role of this variant in disease. Therefore, it has been classified as a Variant of Uncertain Significance.